The following is an entry in ClinVar:

NC_000001.11:g.(?_44822405)_(44832351_?)dup

Gene: PTCH2 (patched 2; minus strand). Cytogenetic location: 1p34.1.
Variant type: Duplication.
Identifiers: ClinVar variation 831150 (VCV000831150.8).

ClinVar aggregate classification (germline): Uncertain significance (1 of 4 stars; one submission).

Conditions:
Gorlin syndrome. Also called: Nevoid Basal Cell Carcinoma Syndrome; Basal cell nevus syndrome. Identifiers: Orphanet 377, MedGen C0004779, MONDO:0007187.

Submission:

Labcorp Genetics (formerly Invitae), Labcorp
Classification: Uncertain significance for Gorlin syndrome. Last evaluated: 2019-04-28. Review status: criteria provided, single submitter. Criteria: Invitae Variant Classification Sherloc (09022015). Collection method: clinical testing. Allele origin: germline.
Comment: This variant results in a copy number gain of the genomic region encompassing exons 3-22 of the PTCH2 gene. The 5' boundary is likely confined to intron 2. The 3' end of this event is unknown as it extends beyond the assayed region for this gene and therefore may encompass additional genes. As the precise location of this event is unknown, it may be in tandem or it may be located elsewhere in the genome. This variant has not been reported in the literature in individuals with PTCH2-related conditions. Experimental studies and prediction algorithms are not available for this variant, and the functional significance of the affected amino acid(s) is currently unknown. In summary, the available evidence is currently insufficient to determine the role of this variant in disease. Therefore, it has been classified as a Variant of Uncertain Significance.